The following is an entry in ClinVar:

ClinVar aggregate classification (germline): Pathogenic. Review status: criteria provided, multiple submitters, no conflicts (2 of 4 stars). 3 submissions from 3 submitters: Pathogenic (3). Last evaluated 2023-07-14.

Conditions:
Hereditary cancer-predisposing syndrome. Also called: Neoplastic Syndromes, Hereditary; Hereditary Cancer Syndrome; Hereditary neoplastic syndrome; Tumor predisposition. Identifiers: Orphanet 140162, MedGen C0027672, MeSH D009386, MONDO:0015356.
Familial thoracic aortic aneurysm and aortic dissection (TAAD). Also called: Thoracic aortic aneurysms and dissections. Identifiers: Orphanet 91387, MedGen C4707243, MONDO:0019625.
Juvenile polyposis syndrome (JPS). Identifiers: Orphanet 2929, MedGen C0345893, MONDO:0017380, OMIM 174900.

Submissions (3):

Labcorp Genetics (formerly Invitae), Labcorp
Classification: Pathogenic for Juvenile polyposis syndrome. Last evaluated: 2023-07-14. Review status: criteria provided, single submitter. Criteria: Invitae Variant Classification Sherloc (09022015). Collection method: clinical testing. Allele origin: germline.
Comment: For these reasons, this variant has been classified as Pathogenic. ClinVar contains an entry for this variant (Variation ID: 140903). This premature translational stop signal has been observed in individual(s) with hereditary cancer (PMID: 24763289). This variant is not present in population databases (gnomAD no frequency). This sequence change creates a premature translational stop signal (p.Gln449*) in the SMAD4 gene. It is expected to result in an absent or disrupted protein product. Loss-of-function variants in SMAD4 are known to be pathogenic (PMID: 16152648, 16436638, 22810475).

Ambry Genetics
Classification: Pathogenic for Hereditary cancer-predisposing syndrome; Familial thoracic aortic aneurysm and aortic dissection. Last evaluated: 2023-01-13. Review status: criteria provided, single submitter. Criteria: Ambry Variant Classification Scheme 2023. Collection method: clinical testing. Allele origin: germline.
Comment: The p.Q449* pathogenic mutation (also known as c.1345C>T), located in coding exon 10 of the SMAD4 gene, results from a C to T substitution at nucleotide position 1345. This changes the amino acid from a glutamine to a stop codon within coding exon 10. This alteration is expected to result in loss of function by premature protein truncation or nonsense-mediated mRNA decay. As such, this alteration is interpreted as a disease-causing mutation.

Color Diagnostics, LLC DBA Color Health
Classification: Pathogenic for Hereditary cancer-predisposing syndrome. Last evaluated: 2020-12-13. Review status: criteria provided, single submitter. Criteria: ACMG Guidelines, 2015. Collection method: clinical testing. Allele origin: germline.
Comment: This variant changes 1 nucleotide in exon 11 of the SMAD4 gene, creating a premature translation stop signal. This variant is expected to result in an absent or non-functional protein product. To our knowledge, this variant has not been reported in individuals affected with hereditary cancer in the literature. This variant has not been identified in the general population by the Genome Aggregation Database (gnomAD). Loss of SMAD4 function is a known mechanism of disease. Based on the available evidence, this variant is classified as Pathogenic.

Literature cited by the submitters: PubMed 24763289 (cited by Labcorp Genetics (formerly Invitae), Labcorp); PubMed 16152648 (cited by Labcorp Genetics (formerly Invitae), Labcorp); PubMed 16436638 (cited by Labcorp Genetics (formerly Invitae), Labcorp); PubMed 22810475 (cited by Labcorp Genetics (formerly Invitae), Labcorp).

NM_005359.6(SMAD4):c.1345C>T (p.Gln449Ter)

Gene: SMAD4 (SMAD family member 4; plus strand). Cytogenetic location: 18q21.2.
Variant type: single nucleotide variant.
Coding change: c.1345C>T on transcript NM_005359.6 (MANE Select); coding-DNA position 1345, C replaced by T.
Protein change: p.Gln449Ter; replaces glutamine 449 with a stop codon.
Molecular consequence: nonsense.
Genome position (GRCh38, 1-based): chr18:51,076,674, C>T. VCF-style: chr18-51076674-C-T. GRCh37 (hg19) VCF-style: chr18-48603044-C-T.
Other names: short protein forms Q449*.
Identifiers: ClinVar variation 140903 (VCV000140903.14), dbSNP rs587781359, ClinGen allele CA163884.